The following is an entry in ClinVar:

NM_000817.3(GAD1):c.750T>C (p.Pro250=)

Gene: GAD1 (glutamate decarboxylase 1; plus strand). Cytogenetic location: 2q31.1.
Variant type: single nucleotide variant.
Coding change: c.750T>C on transcript NM_000817.3 (MANE Select); coding-DNA position 750, T replaced by C.
Protein change: p.Pro250=; no amino-acid change (proline 250 retained).
Molecular consequence: synonymous variant.
Genome position (GRCh38, 1-based): chr2:170,844,156, T>C. VCF-style: chr2-170844156-T-C. GRCh37 (hg19) VCF-style: chr2-171700666-T-C.
Identifiers: ClinVar variation 2651537 (VCV002651537.24), dbSNP rs369505970, ClinGen allele CA1962702.
Genomic context (GRCh38, chr2:170,844,156, plus strand): 5'-TAAGAAGATGAGAGAGATAGTTGGATGGTCAAGTAAAGATGGTGATGGGATATTTTCTCC[T>C]GGTAGGTTTCTCTTCTCTTCCTCTTCTCAAGGTTTGGGATTCTTAAGAATACAAAATATG-3'
Protein context (NP_000808.2, residues 240-260): SSKDGDGIFS[Pro250=]GGAISNMYSI

ClinVar aggregate classification (germline): Likely benign (1 of 4 stars; one submission).

Allele frequency attached by ClinVar (database versions not stated): gnomAD exomes 0.00005; ESP Exome Variant Server 0.00015.

Submission:

CeGaT Center for Human Genetics Tuebingen
Classification: Likely benign. Last evaluated: 2022-10-01. Review status: criteria provided, single submitter. Criteria: CeGaT Center For Human Genetics Tuebingen Variant Classification Criteria Version 2. Collection method: clinical testing. Allele origin: germline. Affected: yes. Observed: 1 variant allele.
Comment: GAD1: BP4, BP7